The following is an entry in ClinVar:

ClinVar aggregate classification (germline): Uncertain significance. Review status: criteria provided, multiple submitters, no conflicts (2 of 4 stars). 3 submissions from 3 submitters: Uncertain significance (3). Last evaluated 2025-12-26.

Conditions:
Cardiovascular phenotype. Identifiers: MedGen CN230736.
Hypertrophic cardiomyopathy. Also called: HYPERTROPHIC MYOCARDIOPATHY. Identifiers: Orphanet 217569, MedGen C0007194, MeSH D002312, MONDO:0005045, HP:0001639.
Cardiomyopathy (CMYO). Also called: Cardiomyopathies. Identifiers: Orphanet 167848, MedGen C0878544, MONDO:0004994, HP:0001638. Inheritance: Various modes of inheritance.

Allele frequency attached by ClinVar (database versions not stated): TOPMed 0.00001.
gnomAD v4.1: 48 of 1,567,108 alleles (0.0031%); highest among the groups gnomAD compares: Non-Finnish European, 0.0042%; no homozygotes.

Submissions (3):

Ambry Genetics
Classification: Uncertain significance for Cardiovascular phenotype. Last evaluated: 2025-12-26. Review status: criteria provided, single submitter. Criteria: Ambry Variant Classification Scheme 2023. Collection method: clinical testing. Allele origin: germline.
Comment: The p.V81F variant (also known as c.241G>T), located in coding exon 2 of the MYBPC3 gene, results from a G to T substitution at nucleotide position 241. The valine at codon 81 is replaced by phenylalanine, an amino acid with highly similar properties. This variant was reported in individual(s) with features consistent with hypertrophic cardiomyopathy (HCM) (Walsh R et al. Genet Med, 2017 Feb;19:192-203). This amino acid position is well conserved in available vertebrate species. In addition, the in silico prediction for this alteration is inconclusive. Based on the available evidence, the clinical significance of this variant remains unclear.

Labcorp Genetics (formerly Invitae), Labcorp
Classification: Uncertain significance for Hypertrophic cardiomyopathy. Last evaluated: 2025-11-27. Review status: criteria provided, single submitter. Criteria: Invitae Variant Classification Sherloc (09022015). Collection method: clinical testing. Allele origin: germline.
Comment: This sequence change replaces valine, which is neutral and non-polar, with phenylalanine, which is neutral and non-polar, at codon 81 of the MYBPC3 protein (p.Val81Phe). This variant is present in population databases (no rsID available, gnomAD 0.007%). This missense change has been observed in individual(s) with hypertrophic cardiomyopathy (PMID: 27532257, 37652022). ClinVar contains an entry for this variant (Variation ID: 922600). An algorithm developed to predict the effect of missense changes on protein structure and function (PolyPhen-2) suggests that this variant is likely to be disruptive. In summary, the available evidence is currently insufficient to determine the role of this variant in disease. Therefore, it has been classified as a Variant of Uncertain Significance.

Color Diagnostics, LLC DBA Color Health
Classification: Uncertain significance for Cardiomyopathy. Last evaluated: 2025-06-04. Review status: criteria provided, single submitter. Criteria: ACMG Guidelines, 2015. Collection method: clinical testing. Allele origin: germline.
Comment: This missense variant replaces valine with phenylalanine at codon 81 of the MYBPC3 protein. Computational prediction suggests that this variant may not impact protein structure and function. To our knowledge, functional studies have not been reported for this variant. This variant has been reported in an individual affected with hypertrophic cardiomyopathy (PMID: 27532257, 37652022). This variant has been identified in 1/31400 chromosomes in the general population by the Genome Aggregation Database (gnomAD). The available evidence is insufficient to determine the role of this variant in disease conclusively. Therefore, this variant is classified as a Variant of Uncertain Significance.

Literature cited by the submitters: PubMed 27532257 (cited by 3 submitters); PubMed 37652022 (cited by Labcorp Genetics (formerly Invitae), Labcorp and Color Diagnostics, LLC DBA Color Health).

NM_000256.3(MYBPC3):c.241G>T (p.Val81Phe)

Gene: MYBPC3 (myosin binding protein C3; minus strand). Cytogenetic location: 11p11.2.
Variant type: single nucleotide variant.
Coding change: c.241G>T on transcript NM_000256.3 (MANE Select); coding-DNA position 241, G replaced by T.
Protein change: p.Val81Phe; replaces valine 81 with phenylalanine.
Molecular consequence: missense variant.
Genome position (GRCh38, 1-based): chr11:47,351,290, C>A on the plus strand (G>T on the coding strand, the complement: MYBPC3 is on the minus strand). VCF-style: chr11-47351290-C-A. GRCh37 (hg19) VCF-style: chr11-47372841-C-A.
Other names: short protein forms V81F.
Identifiers: ClinVar variation 922600 (VCV000922600.10), dbSNP rs999833111, ClinGen allele CA221708602.